The following is an entry in ClinVar:

ClinVar aggregate classification (germline): Uncertain significance (1 of 4 stars; one submission).

gnomAD v4.1: 1 of 1,604,278 alleles (0.000062%); highest among the groups gnomAD compares: Non-Finnish European, 0.000085%; no homozygotes.

Submission:

Ambry Genetics
Classification: Uncertain significance. Last evaluated: 2025-08-08. Review status: criteria provided, single submitter. Criteria: Ambry Variant Classification Scheme 2023. Collection method: clinical testing. Allele origin: germline.
Comment: The p.V2016F variant (also known as c.6046G>T), located in coding exon 24 of the WNK2 gene, results from a G to T substitution at nucleotide position 6046. The valine at codon 2016 is replaced by phenylalanine, an amino acid with highly similar properties. This amino acid position is conserved. In addition, the in silico prediction for this alteration is inconclusive. Based on the available evidence, the clinical significance of this variant remains unclear.

NM_006648.4(WNK2):c.6046G>T (p.Val2016Phe)

Gene: WNK2 (WNK lysine deficient protein kinase 2; plus strand). Cytogenetic location: 9q22.31.
Variant type: single nucleotide variant.
Coding change: c.6046G>T on transcript NM_006648.4 (MANE Select); coding-DNA position 6046, G replaced by T.
Protein change: p.Val2016Phe; replaces valine 2016 with phenylalanine.
Molecular consequence: missense variant.
Genome position (GRCh38, 1-based): chr9:93,299,192, G>T. VCF-style: chr9-93299192-G-T. GRCh37 (hg19) VCF-style: chr9-96061474-G-T.
Other names: c.6157G>T, p.Val2053Phe (NM_001282394.3); short protein forms V2053F, V2016F.
Identifiers: ClinVar variation 4201720 (VCV004201720.1).